The following is an entry in ClinVar:

ClinVar aggregate classification (germline): Conflicting classifications of pathogenicity. Review status: criteria provided, conflicting classifications (1 of 4 stars). 2 submissions from 2 submitters: Uncertain significance (1); Likely benign (1). Last evaluated 2025-03-30.

Conditions:
Inborn genetic diseases. Identifiers: MedGen C0950123, MeSH D030342.

Allele frequency attached by ClinVar (database versions not stated): ExAC 0.00006; ESP Exome Variant Server 0.00023; gnomAD 0.00002; TOPMed 0.00005.
gnomAD v4.1: 112 of 1,613,884 alleles (0.0069%); highest among the groups gnomAD compares: Non-Finnish European, 0.0092%; no homozygotes.

Submissions (2):

Labcorp Genetics (formerly Invitae), Labcorp
Classification: Uncertain significance. Last evaluated: 2025-03-30. Review status: criteria provided, single submitter. Criteria: Invitae Variant Classification Sherloc (09022015). Collection method: clinical testing. Allele origin: germline.
Comment: This sequence change replaces valine, which is neutral and non-polar, with methionine, which is neutral and non-polar, at codon 2086 of the TRRAP protein (p.Val2086Met). This variant is present in population databases (rs189339918, gnomAD 0.01%). This variant has not been reported in the literature in individuals affected with TRRAP-related conditions. ClinVar contains an entry for this variant (Variation ID: 2973151). Invitae Evidence Modeling of protein sequence and biophysical properties (such as structural, functional, and spatial information, amino acid conservation, physicochemical variation, residue mobility, and thermodynamic stability) indicates that this missense variant is not expected to disrupt TRRAP protein function with a negative predictive value of 80%. In summary, the available evidence is currently insufficient to determine the role of this variant in disease. Therefore, it has been classified as a Variant of Uncertain Significance.

Ambry Genetics
Classification: Likely benign for Inborn genetic diseases. Last evaluated: 2023-11-09. Review status: criteria provided, single submitter. Criteria: Ambry Variant Classification Scheme 2023. Collection method: clinical testing. Allele origin: germline.

NM_001375524.1(TRRAP):c.6331G>A (p.Val2111Met)

Gene: TRRAP (transformation/transcription domain associated protein; plus strand). Cytogenetic location: 7q22.1.
Variant type: single nucleotide variant.
Coding change: c.6331G>A on transcript NM_001375524.1 (MANE Select); coding-DNA position 6331, G replaced by A.
Protein change: p.Val2111Met; replaces valine 2111 with methionine.
Molecular consequence: missense variant.
Genome position (GRCh38, 1-based): chr7:98,958,080, G>A. VCF-style: chr7-98958080-G-A. GRCh37 (hg19) VCF-style: chr7-98555703-G-A.
Other names: c.6310G>A, p.Val2104Met (NM_001244580.2); c.6256G>A, p.Val2086Met (NM_003496.4); c.6310G>A (NM_001244580.1); short protein forms V2086M, V2111M, V2104M.
Identifiers: ClinVar variation 2973151 (VCV002973151.4), dbSNP rs189339918, ClinGen allele CA4360816.